The following is an entry in ClinVar:

NM_001134363.3(RBM20):c.1402G>C (p.Ala468Pro)

Gene: RBM20 (RNA binding motif protein 20; plus strand). Cytogenetic location: 10q25.2.
Variant type: single nucleotide variant.
Coding change: c.1402G>C on transcript NM_001134363.3 (MANE Select); coding-DNA position 1402, G replaced by C.
Protein change: p.Ala468Pro; replaces alanine 468 with proline.
Molecular consequence: missense variant.
Genome position (GRCh38, 1-based): chr10:110,784,405, G>C. VCF-style: chr10-110784405-G-C. GRCh37 (hg19) VCF-style: chr10-112544163-G-C.
Other names: short protein forms A468P.
Identifiers: ClinVar variation 2087164 (VCV002087164.4), dbSNP rs1372715634, ClinGen allele CA378387968.

ClinVar aggregate classification (germline): Uncertain significance (1 of 4 stars; one submission).

Conditions:
Dilated cardiomyopathy 1DD (CMD1DD). Identifiers: Orphanet 154, MedGen C2750995, MONDO:0013168, OMIM 613172.

Submission:

Labcorp Genetics (formerly Invitae), Labcorp
Classification: Uncertain significance for Dilated cardiomyopathy 1DD. Last evaluated: 2022-01-26. Review status: criteria provided, single submitter. Criteria: Invitae Variant Classification Sherloc (09022015). Collection method: clinical testing. Allele origin: germline.
Comment: In summary, the available evidence is currently insufficient to determine the role of this variant in disease. Therefore, it has been classified as a Variant of Uncertain Significance. Advanced modeling of protein sequence and biophysical properties (such as structural, functional, and spatial information, amino acid conservation, physicochemical variation, residue mobility, and thermodynamic stability) performed at Invitae indicates that this missense variant is not expected to disrupt RBM20 protein function. This variant has not been reported in the literature in individuals affected with RBM20-related conditions. This variant is not present in population databases (gnomAD no frequency). This sequence change replaces alanine, which is neutral and non-polar, with proline, which is neutral and non-polar, at codon 468 of the RBM20 protein (p.Ala468Pro).